The following is an entry in ClinVar:

NM_002838.5(PTPRC):c.3126C>G (p.Thr1042=)

Gene: PTPRC (protein tyrosine phosphatase receptor type C; plus strand). Cytogenetic location: 1q32.1.
Variant type: single nucleotide variant.
Coding change: c.3126C>G on transcript NM_002838.5 (MANE Select); coding-DNA position 3126, C replaced by G.
Protein change: p.Thr1042=; no amino-acid change (threonine 1042 retained).
Molecular consequence: synonymous variant.
Genome position (GRCh38, 1-based): chr1:198,750,545, C>G. VCF-style: chr1-198750545-C-G. GRCh37 (hg19) VCF-style: chr1-198719674-C-G.
Other names: c.3126C>G (NM_002838.4); c.2643C>G, p.Thr881= (NM_080921.4).
Identifiers: ClinVar variation 1661088 (VCV001661088.11), dbSNP rs375079291, ClinGen allele CA1315357.

ClinVar aggregate classification (germline): Likely benign. Review status: criteria provided, multiple submitters, no conflicts (2 of 4 stars). 3 submissions from 3 submitters: Likely benign (2). 1 of the submissions does not count toward it. Last evaluated 2025-10-29.

Conditions:
Immunodeficiency 104. Also called: Severe combined immunodeficiency, autosomal recessive, T cell-negative, B cell-positive, NK cell-positive; Severe Combined Immune Deficiency, Autosomal Recessive, TCell -Negative, B Cell-Positive, NK Cell-Positive, IL7R-Related; IMMUNODEFICIENCY 104, SEVERE COMBINED; SCID, AUTOSOMAL RECESSIVE, T CELL-NEGATIVE, B CELL-POSITIVE, NK CELL-POSITIVE. Identifiers: MedGen C5676890, MONDO:0012163, OMIM 608971.
PTPRC-related disorder. Also called: PTPRC-related condition.

Allele frequency attached by ClinVar (database versions not stated): gnomAD 0.00007 and 0.00010; TOPMed 0.00007; ExAC 0.00012; gnomAD exomes 0.00014; 1000 Genomes Project 30x 0.00031; 1000 Genomes Project 0.00040.
gnomAD v4.1: 71 of 1,612,274 alleles (0.0044%); highest among the groups gnomAD compares: East Asian, 0.1%; no homozygotes.

Submissions (3):

Labcorp Genetics (formerly Invitae), Labcorp
Classification: Likely benign for Immunodeficiency 104. Last evaluated: 2025-10-29. Review status: criteria provided, single submitter. Criteria: Invitae Variant Classification Sherloc (09022015). Collection method: clinical testing. Allele origin: germline.

Blueprint Genetics
Classification: Likely benign. Last evaluated: 2024-10-23. Review status: criteria provided, single submitter. Criteria: ACMG Guidelines, 2015. Collection method: clinical testing. Allele origin: germline.

PreventionGenetics, part of Exact Sciences
Classification: Likely benign for PTPRC-related condition. Last evaluated: 2019-02-21. Review status: no assertion criteria provided. Collection method: clinical testing. Allele origin: germline. Not counted in ClinVar's aggregate classification.
Comment: This variant is classified as likely benign based on ACMG/AMP sequence variant interpretation guidelines (Richards et al. 2015 PMID: 25741868, with internal and published modifications).